The following is an entry in ClinVar:

ClinVar aggregate classification (germline): Uncertain significance (1 of 4 stars; one submission).

Allele frequency attached by ClinVar (database versions not stated): gnomAD exomes 0.00001; TOPMed below 0.00001.
gnomAD v4.1: 13 of 1,613,566 alleles (0.00081%); highest among the groups gnomAD compares: Non-Finnish European, 0.0011%; no homozygotes.

Submission:

GeneDx
Classification: Uncertain significance. Last evaluated: 2026-02-03. Review status: criteria provided, single submitter. Criteria: GeneDx Variant Classification Process June 2021. Collection method: clinical testing. Allele origin: germline. Affected: yes.
Comment: Not observed at significant frequency in large population cohorts (gnomAD); In silico analysis supports that this missense variant has a deleterious effect on protein structure/function; Has not been previously published as pathogenic or benign to our knowledge

NM_006922.4(SCN3A):c.2260A>G (p.Asn754Asp)

Gene: SCN3A (sodium voltage-gated channel alpha subunit 3; minus strand). Cytogenetic location: 2q24.3.
Variant type: single nucleotide variant.
Coding change: c.2260A>G on transcript NM_006922.4 (MANE Select); coding-DNA position 2260, A replaced by G.
Protein change: p.Asn754Asp; replaces asparagine 754 with aspartic acid.
Molecular consequence: missense variant.
Genome position (GRCh38, 1-based): chr2:165,138,010, T>C on the plus strand (A>G on the coding strand, the complement: SCN3A is on the minus strand). VCF-style: chr2-165138010-T-C. GRCh37 (hg19) VCF-style: chr2-165994520-T-C.
Other names: c.2113A>G, p.Asn705Asp (NM_001081676.2, NM_001081677.2); short protein forms N705D, N754D.
Identifiers: ClinVar variation 2507180 (VCV002507180.2), dbSNP rs1687770510, ClinGen allele CA349045232.